The following is an entry in ClinVar:

ClinVar aggregate classification (germline): Pathogenic (1 of 4 stars; one submission).

Conditions:
DLG3-related disorder. Also called: DLG3-related condition.

Submission:

PreventionGenetics, part of Exact Sciences
Classification: Pathogenic for DLG3-related condition. Last evaluated: 2024-10-23. Review status: criteria provided, single submitter. Criteria: ACMG Guidelines, 2015. Collection method: clinical testing. Allele origin: germline.
Comment: The DLG3 c.1720C>T variant is predicted to result in premature protein termination (p.Arg574*). This variant has been reported in individuals with variable features including intellectual disability, delayed speech or motor development, and dysmorphic features (Sandestig et al. 2019. PubMed ID: 32021600; Froukh et al. 2020. PubMed ID: 32056211). In one family, this variant occurred de novo in the proband's more mildly affected mother (Sandestig et al. 2019. PubMed ID: 32021600). This variant has not been reported in a large population database (gnomAD), indicating it is rare. Nonsense variants in DLG3 are expected to be pathogenic. This variant is interpreted as pathogenic.

NM_021120.4(DLG3):c.1720C>T (p.Arg574Ter)

Gene: DLG3 (discs large MAGUK scaffold protein 3; plus strand). Cytogenetic location: Xq13.1.
Variant type: single nucleotide variant.
Coding change: c.1720C>T on transcript NM_021120.4 (MANE Select); coding-DNA position 1720, C replaced by T.
Protein change: p.Arg574Ter; replaces arginine 574 with a stop codon.
Molecular consequence: nonsense.
Genome position (GRCh38, 1-based): chrX:70,492,543, C>T. VCF-style: chrX-70492543-C-T. GRCh37 (hg19) VCF-style: chrX-69712393-C-T.
Other names: c.271C>T, p.Arg91Ter (NM_001166278.2); c.709C>T, p.Arg237Ter (NM_020730.3); short protein forms R574*, R91*, R237*.
Identifiers: ClinVar variation 4999572 (VCV004999572.1).
Genomic context (GRCh38, chrX:70,492,543, plus strand): 5'-ACTGGCAGTAACAGGACTTCTTTCTGATTCCAAAACAGGGTGGAAAAGAAAGAAAGAGCT[C>T]GATTGAAAACTGTGAAGTTCCATGCCAGGACGGGGATGATTGAGTCTAACAGGGTAAGTG-3'